The following is an entry in ClinVar:

ClinVar aggregate classification (germline): Uncertain significance (1 of 4 stars; one submission).

Submission:

Labcorp Genetics (formerly Invitae), Labcorp
Classification: Uncertain significance. Last evaluated: 2024-01-31. Review status: criteria provided, single submitter. Criteria: Invitae Variant Classification Sherloc (09022015). Collection method: clinical testing. Allele origin: germline.
Comment: This sequence change replaces arginine, which is basic and polar, with glutamic acid, which is acidic and polar, at codon 1092 of the PIEZO1 protein (p.Arg1092Glu). This variant is present in population databases (no rsID available, gnomAD 0.01%). This variant has not been reported in the literature in individuals affected with PIEZO1-related conditions. An algorithm developed to predict the effect of missense changes on protein structure and function (PolyPhen-2) suggests that this variant is likely to be tolerated. In summary, the available evidence is currently insufficient to determine the role of this variant in disease. Therefore, it has been classified as a Variant of Uncertain Significance.

NM_001142864.4(PIEZO1):c.3274_3275delinsGA (p.Arg1092Glu)

Gene: PIEZO1 (piezo type mechanosensitive ion channel component 1 (Er blood group); minus strand). Cytogenetic location: 16q24.3.
Variant type: Indel.
Coding change: c.3274_3275delinsGA on transcript NM_001142864.4 (MANE Select); coding-DNA positions 3274 to 3275, CG replaced by GA.
Protein change: p.Arg1092Glu; replaces arginine 1092 with glutamic acid.
Molecular consequence: missense variant.
Genome position (GRCh38, 1-based): chr16:88,727,583-88,727,584, CG replaced by TC on the plus strand (CG replaced by GA on the coding strand, the reverse complement: PIEZO1 is on the minus strand). VCF-style: chr16-88727583-CG-TC. GRCh37 (hg19) VCF-style: chr16-88793991-CG-TC.
Other names: short protein forms R1092E.
Identifiers: ClinVar variation 3711566 (VCV003711566.2).
Genomic context (GRCh38, chr16:88,727,583, plus strand): 5'-CTCTGCAGAGGCGGGGGTGGTGGGGGGCACTCACTGATGAGGTTGGTGGAGTTGGGGGCC[CG>TC]GAAGAAATCAGGCAGGTACAGCCACTTGATGAGTGCGGAGTTCATGGGGACGGCCCGGCT-3'
Protein context (NP_001136336.2, residues 1082-1102): IKWLYLPDFF[Arg1092Glu]APNSTNLISD